The following is an entry in ClinVar:

NM_153676.4(USH1C):c.496+21G>T

Gene: USH1C (USH1 protein network component harmonin; minus strand). Cytogenetic location: 11p15.1.
Variant type: single nucleotide variant.
Coding change: c.496+21G>T on transcript NM_153676.4 (MANE Select); 21 bases into the intron after coding-DNA position 496, G replaced by T.
Molecular consequence: intron variant.
Genome position (GRCh38, 1-based): chr11:17,527,202, C>A on the plus strand (G>T on the coding strand, the complement: USH1C is on the minus strand). VCF-style: chr11-17527202-C-A. GRCh37 (hg19) VCF-style: chr11-17548749-C-A.
Other names: c.496+21G>T (NM_001297764.2, NM_005709.4).
Identifiers: ClinVar variation 48017 (VCV000048017.5), dbSNP rs111033278, ClinGen allele CA142384.

ClinVar aggregate classification (germline): Benign (1 of 4 stars; one submission).

Submission:

Laboratory for Molecular Medicine, Mass General Brigham Personalized Medicine
Classification: Benign. Last evaluated: 2011-06-27. Review status: criteria provided, single submitter. Criteria: LMM Criteria. Collection method: clinical testing. Allele origin: germline. Observed: 13 variant alleles.
Comment: c.496+21G>T in intron 5 of USH1C: This variant is not expected to have clinical significance because it is not located in the conserved region of the splicing c onsensus sequence.